The following is an entry in ClinVar:

ClinVar aggregate classification (germline): Uncertain significance (1 of 4 stars; one submission).

gnomAD v4.1: 1 of 1,300,798 alleles (0.000077%); no homozygotes.

Submission:

Labcorp Genetics (formerly Invitae), Labcorp
Classification: Uncertain significance. Last evaluated: 2022-07-19. Review status: criteria provided, single submitter. Criteria: Invitae Variant Classification Sherloc (09022015). Collection method: clinical testing. Allele origin: germline.
Comment: In summary, the available evidence is currently insufficient to determine the role of this variant in disease. Therefore, it has been classified as a Variant of Uncertain Significance. Algorithms developed to predict the effect of missense changes on protein structure and function are either unavailable or do not agree on the potential impact of this missense change (SIFT: "Deleterious"; PolyPhen-2: "Benign"; Align-GVGD: "Class C0"). ClinVar contains an entry for this variant (Variation ID: 1490555). This variant has not been reported in the literature in individuals affected with ALPK3-related conditions. This variant is not present in population databases (gnomAD no frequency). This sequence change replaces glycine, which is neutral and non-polar, with aspartic acid, which is acidic and polar, at codon 200 of the ALPK3 protein (p.Gly200Asp).

NM_020778.5(ALPK3):c.-8G>A

Gene: ALPK3 (alpha kinase 3; plus strand). Cytogenetic location: 15q25.3.
Variant type: single nucleotide variant.
Coding change: c.-8G>A on transcript NM_020778.5 (MANE Select); 8 bases upstream of the start codon, G replaced by A.
Molecular consequence: 5 prime UTR variant.
Genome position (GRCh38, 1-based): chr15:84,817,445, G>A. VCF-style: chr15-84817445-G-A. GRCh37 (hg19) VCF-style: chr15-85360676-G-A.
Identifiers: ClinVar variation 1490555 (VCV001490555.8), dbSNP rs2141542128, ClinGen allele CA393369243.